The following is an entry in ClinVar:

ClinVar aggregate classification (germline): Uncertain significance (1 of 4 stars; one submission).

Conditions:
PEX6-related disorder. Also called: PEX6-related disorders; PEX6-related condition.

Submission:

PreventionGenetics, part of Exact Sciences
Classification: Uncertain significance for PEX6-related condition. Last evaluated: 2025-12-10. Review status: criteria provided, single submitter. Criteria: ACMG Guidelines, 2015. Collection method: clinical testing. Allele origin: germline.
Comment: The PEX6 c.1888T>A variant is predicted to result in the amino acid substitution p.Phe630Ile. To our knowledge, this variant has not been reported in the literature or in a large population database (gnomAD), indicating this variant is rare. At this time, the clinical significance of this variant is uncertain due to the absence of conclusive functional and genetic evidence.

NM_000287.4(PEX6):c.1888T>A (p.Phe630Ile)

Gene: PEX6 (peroxisomal biogenesis factor 6; minus strand). Cytogenetic location: 6p21.1.
Variant type: single nucleotide variant.
Coding change: c.1888T>A on transcript NM_000287.4 (MANE Select); coding-DNA position 1888, T replaced by A.
Protein change: p.Phe630Ile; replaces phenylalanine 630 with isoleucine.
Molecular consequence: missense variant. On other transcripts: non-coding transcript variant (1).
Genome position (GRCh38, 1-based): chr6:42,966,855, A>T on the plus strand (T>A on the coding strand, the complement: PEX6 is on the minus strand). VCF-style: chr6-42966855-A-T. GRCh37 (hg19) VCF-style: chr6-42934593-A-T.
Other names: c.1624T>A, p.Phe542Ile (NM_001316313.2); short protein forms F542I, F630I.
Identifiers: ClinVar variation 4984841 (VCV004984841.1).